The following is an entry in ClinVar:

NM_033380.3(COL4A5):c.4034_4035delinsTG (p.Gly1345Val)

Gene: COL4A5 (collagen type IV alpha 5 chain; plus strand). Cytogenetic location: Xq22.3.
Variant type: Indel.
Coding change: c.4034_4035delinsTG on transcript NM_033380.3 (MANE Select); coding-DNA positions 4034 to 4035, GA replaced by TG.
Protein change: p.Gly1345Val; replaces glycine 1345 with valine.
Molecular consequence: missense variant.
Genome position (GRCh38, 1-based): chrX:108,680,903-108,680,904, GA replaced by TG. VCF-style: chrX-108680903-GA-TG. GRCh37 (hg19) VCF-style: chrX-107924133-GA-TG.
Other names: c.4016_4017delinsTG, p.Gly1339Val (NM_000495.5); short protein forms G1339V, G1345V.
Identifiers: ClinVar variation 3769407 (VCV003769407.2).

ClinVar aggregate classification (germline): Likely pathogenic (1 of 4 stars; one submission).

Conditions:
X-linked Alport syndrome (ATS1). Also called: NEPHROPATHY AND DEAFNESS, X-LINKED; COL4A5-Related Nephropathy. Identifiers: Orphanet 63, Orphanet 88917, MedGen C4746986, MONDO:0010520, OMIM 301050.

Submission:

Women's Health and Genetics/Laboratory Corporation of America, LabCorp
Classification: Likely pathogenic for X-linked Alport syndrome. Last evaluated: 2025-01-27. Review status: criteria provided, single submitter. Criteria: LabCorp Variant Classification Summary - May 2015. Collection method: clinical testing. Allele origin: germline.
Comment: Variant summary: COL4A5 c.4016_4017delinsTG (p.Gly1339Val) results in a non-conservative amino acid change located in the collagen triple helix repeat domain (IPR008160) of the encoded protein sequence. This missense variant disrupts a critical glycine residue at position 1 of a Gly-X-Y repeat in the collagenous domain of the collagen IV alpha 5 chain, and variants affecting these glycine residues are significantly enriched in individuals with Alport syndrome (PMID: 33854215). Three of five in-silico tools predict a damaging effect of the variant on protein function. The variant was absent in 1211255 control chromosomes. To our knowledge, no occurrence of c.4016_4017delinsTG in individuals affected with X-Linked Alport Syndrome and no experimental evidence demonstrating its impact on protein function have been reported. No submitters have cited clinical-significance assessments for this variant to ClinVar. Based on the evidence outlined above, the variant was classified as likely pathogenic.